The following is an entry in ClinVar:

ClinVar aggregate classification (germline): Likely pathogenic (1 of 4 stars; one submission).

Allele frequency attached by ClinVar (database versions not stated): TOPMed below 0.00001.
gnomAD v4.1: 7 of 1,557,414 alleles (0.00045%); highest among the groups gnomAD compares: Non-Finnish European, 0.00061%; no homozygotes.

Submission:

Mayo Clinic Laboratories, Mayo Clinic
Classification: Likely pathogenic. Last evaluated: 2025-01-08. Review status: criteria provided, single submitter. Criteria: ACMG Guidelines, 2015. Collection method: clinical testing. Allele origin: germline. Observed: 3 variant alleles.
Comment: PP3_moderate, PM1, PM2_supporting, PM5

Literature cited by the submitters: PubMed 15735798; PubMed 18976247; PubMed 27227566; PubMed 38202056; PubMed 38397060.

NM_019616.4(F7):c.179G>T (p.Cys60Phe)

Gene: F7 (coagulation factor VII; plus strand). Cytogenetic location: 13q34.
Variant type: single nucleotide variant.
Coding change: c.179G>T on transcript NM_019616.4 (MANE Select); coding-DNA position 179, G replaced by T.
Protein change: p.Cys60Phe; replaces cysteine 60 with phenylalanine.
Molecular consequence: missense variant. On other transcripts: intron variant (1), non-coding transcript variant (1).
Genome position (GRCh38, 1-based): chr13:113,110,804, G>T. VCF-style: chr13-113110804-G-T. GRCh37 (hg19) VCF-style: chr13-113765118-G-T.
Other names: p.Cys82Phe; c.65-3043G>T (NM_001267554.2); c.245G>T, p.Cys82Phe (NM_000131.5); short protein forms C60F, C82F.
Identifiers: ClinVar variation 2582790 (VCV002582790.2), dbSNP rs1448296564.
Genomic context (GRCh38, chr13:113,110,804, plus strand): 5'-ACGCGTTCCTGGAGGAGCTGCGGCCGGGCTCCCTGGAGAGGGAGTGCAAGGAGGAGCAGT[G>T]CTCCTTCGAGGAGGCCCGGGAGATCTTCAAGGACGCGGAGAGGACGGTGAGCCCAGCCTC-3'
Protein context (NP_062562.1, residues 50-70): SLERECKEEQ[Cys60Phe]SFEEAREIFK